The following is an entry in ClinVar:

ClinVar aggregate classification (germline): Uncertain significance (1 of 4 stars; one submission).

gnomAD v4.1: 1 of 1,599,318 alleles (0.000063%); highest among the groups gnomAD compares: South Asian, 0.0011%; no homozygotes.

Submission:

GeneDx
Classification: Uncertain significance. Last evaluated: 2024-08-08. Review status: criteria provided, single submitter. Criteria: GeneDx Variant Classification Process June 2021. Collection method: clinical testing. Allele origin: germline. Affected: yes.
Comment: In silico analysis indicates that this missense variant does not alter protein structure/function; Has not been previously published as pathogenic or benign to our knowledge

NM_001365088.1(SLC12A6):c.2056A>G (p.Met686Val)

Gene: SLC12A6 (solute carrier family 12 member 6; minus strand). Cytogenetic location: 15q14.
Variant type: single nucleotide variant.
Coding change: c.2056A>G on transcript NM_001365088.1 (MANE Select); coding-DNA position 2056, A replaced by G.
Protein change: p.Met686Val; replaces methionine 686 with valine.
Molecular consequence: missense variant.
Genome position (GRCh38, 1-based): chr15:34,242,208, T>C on the plus strand (A>G on the coding strand, the complement: SLC12A6 is on the minus strand). VCF-style: chr15-34242208-T-C. GRCh37 (hg19) VCF-style: chr15-34534409-T-C.
Other names: c.1879A>G, p.Met627Val (NM_001042494.2, NM_001042495.2); c.2029A>G, p.Met677Val (NM_001042496.2); c.2011A>G, p.Met671Val (NM_001042497.2); c.1903A>G, p.Met635Val (NM_005135.2); c.2056A>G, p.Met686Val (NM_133647.2); short protein forms M627V, M635V, M671V, M677V, M686V.
Identifiers: ClinVar variation 3602834 (VCV003602834.1).
Genomic context (GRCh38, chr15:34,242,208, plus strand): 5'-CTACAATGGCATAATACCAGGAAGAAATGAACATCAGAGCCAGACAGATACTCATTCCCA[T>C]GAAAGAAAGGGCCCTAGAAAATTAAAAACAAAAAAGTATCTTTTAAAGTAGCTGAAAAAG-3'
Protein context (NP_001352017.1, residues 676-696): FRYYHWALSF[Met686Val]GMSICLALMF